The following is an entry in ClinVar:

ClinVar aggregate classification (germline): Uncertain significance (1 of 4 stars; one submission).

Conditions:
Jeune thoracic dystrophy. Also called: Jeune syndrome; Infantile thoracic dystrophy; Thoracic pelvic phalangeal dystrophy; Jeune's syndrome; Chondroectodermal dysplasia-like syndrome; Short-rib thoracic dysplasia. Identifiers: Orphanet 474, MedGen C0265275, MONDO:0018770.
Nephronophthisis. Also called: Juvenile Nephronophthisis. Identifiers: Orphanet 655, MedGen C0687120, MONDO:0019005, HP:0000090.

Allele frequency attached by ClinVar (database versions not stated): ExAC 0.00001; gnomAD exomes 0.00001; gnomAD 0.00002; TOPMed 0.00002.

Submission:

Labcorp Genetics (formerly Invitae), Labcorp
Classification: Uncertain significance for Jeune thoracic dystrophy; Nephronophthisis. Last evaluated: 2023-08-01. Review status: criteria provided, single submitter. Criteria: Invitae Variant Classification Sherloc (09022015). Collection method: clinical testing. Allele origin: germline.
Comment: This sequence change replaces arginine, which is basic and polar, with cysteine, which is neutral and slightly polar, at codon 191 of the TTC21B protein (p.Arg191Cys). This variant has not been reported in the literature in individuals affected with TTC21B-related conditions. This variant is present in population databases (rs748659179, gnomAD 0.02%). ClinVar contains an entry for this variant (Variation ID: 1983129). In summary, the available evidence is currently insufficient to determine the role of this variant in disease. Therefore, it has been classified as a Variant of Uncertain Significance. Advanced modeling of protein sequence and biophysical properties (such as structural, functional, and spatial information, amino acid conservation, physicochemical variation, residue mobility, and thermodynamic stability) performed at Invitae indicates that this missense variant is not expected to disrupt TTC21B protein function.

NM_024753.5(TTC21B):c.571C>T (p.Arg191Cys)

Genes: TTC21B (tetratricopeptide repeat domain 21B; minus strand), TTC21B-AS1 (TTC21B antisense RNA 1; plus strand). Cytogenetic location: 2q24.3.
Variant type: single nucleotide variant.
Coding change: c.571C>T on transcript NM_024753.5 (MANE Select); coding-DNA position 571, C replaced by T.
Protein change: p.Arg191Cys; replaces arginine 191 with cysteine.
Molecular consequence: missense variant.
Genome position (GRCh38, 1-based): chr2:165,941,166, G>A on the plus strand (C>T on the coding strand, the complement: TTC21B is on the minus strand). VCF-style: chr2-165941166-G-A. GRCh37 (hg19) VCF-style: chr2-166797676-G-A.
Other names: short protein forms R191C.
Identifiers: ClinVar variation 1983129 (VCV001983129.4), dbSNP rs748659179, ClinGen allele CA1942391.